The following is an entry in ClinVar:

ClinVar aggregate classification (germline): Uncertain significance (1 of 4 stars; one submission).

Conditions:
Dyskeratosis congenita. Identifiers: Orphanet 1775, MedGen C0265965, MONDO:0015780.

Allele frequency attached by ClinVar (database versions not stated): gnomAD 0.00001.
gnomAD v4.1: 3 of 1,610,086 alleles (0.00019%); highest among the groups gnomAD compares: Non-Finnish European, 0.00025%; no homozygotes.

Submission:

Labcorp Genetics (formerly Invitae), Labcorp
Classification: Uncertain significance for Dyskeratosis congenita. Last evaluated: 2022-07-21. Review status: criteria provided, single submitter. Criteria: Invitae Variant Classification Sherloc (09022015). Collection method: clinical testing. Allele origin: germline.
Comment: This sequence change replaces alanine, which is neutral and non-polar, with serine, which is neutral and polar, at codon 3 of the CTC1 protein (p.Ala3Ser). The frequency data for this variant in the population databases is considered unreliable, as metrics indicate poor data quality at this position in the gnomAD database. This variant has not been reported in the literature in individuals affected with CTC1-related conditions. Algorithms developed to predict the effect of missense changes on protein structure and function output the following: SIFT: "Tolerated"; PolyPhen-2: "Benign"; Align-GVGD: "Class C0". The serine amino acid residue is found in multiple mammalian species, which suggests that this missense change does not adversely affect protein function. In summary, the available evidence is currently insufficient to determine the role of this variant in disease. Therefore, it has been classified as a Variant of Uncertain Significance.

NM_025099.6(CTC1):c.7G>T (p.Ala3Ser)

Genes: PFAS (phosphoribosylformylglycinamidine synthase; plus strand), CTC1 (CST telomere replication complex component 1; minus strand). Cytogenetic location: 17p13.1.
Variant type: single nucleotide variant.
Coding change: c.7G>T on transcript NM_025099.6 (MANE Select); coding-DNA position 7, G replaced by T.
Protein change: p.Ala3Ser; replaces alanine 3 with serine.
Molecular consequence: missense variant. On other transcripts: non-coding transcript variant (1).
Genome position (GRCh38, 1-based): chr17:8,248,030, C>A on the plus strand (G>T on the coding strand, the complement: CTC1 is on the minus strand). VCF-style: chr17-8248030-C-A. GRCh37 (hg19) VCF-style: chr17-8151348-C-A.
Other names: c.7G>T, p.Ala3Ser (NM_001411067.1); short protein forms A3S.
Identifiers: ClinVar variation 2156757 (VCV002156757.1), dbSNP rs753006313, ClinGen allele CA8372770.